The following is an entry in ClinVar:

ClinVar aggregate classification (germline): Likely benign. Review status: criteria provided, multiple submitters, no conflicts (2 of 4 stars). 2 submissions from 2 submitters: Likely benign (2). Last evaluated 2026-04-01.

gnomAD v4.1: 182 of 1,613,878 alleles (0.011%); highest among the groups gnomAD compares: Middle Eastern, 0.083%; no homozygotes.

Submissions (2):

CeGaT Center for Human Genetics Tuebingen
Classification: Likely benign. Last evaluated: 2026-04-01. Review status: criteria provided, single submitter. Criteria: CeGaT Center For Human Genetics Tuebingen Variant Classification Criteria Version 2. Collection method: clinical testing. Allele origin: germline. Affected: yes. Observed: 1 variant allele.
Comment: FDXR: BP4, BP7

Blueprint Genetics
Classification: Likely benign. Last evaluated: 2024-10-17. Review status: criteria provided, single submitter. Criteria: ACMG Guidelines, 2015. Collection method: clinical testing. Allele origin: germline.

NM_024417.5(FDXR):c.459C>T (p.Ser153=)

Gene: FDXR (ferredoxin reductase; minus strand). Cytogenetic location: 17q25.1.
Variant type: single nucleotide variant.
Coding change: c.459C>T on transcript NM_024417.5 (MANE Select); coding-DNA position 459, C replaced by T.
Protein change: p.Ser153=; no amino-acid change (serine 153 retained).
Molecular consequence: synonymous variant. On other transcripts: non-coding transcript variant (1).
Genome position (GRCh38, 1-based): chr17:74,866,179, G>A on the plus strand (C>T on the coding strand, the complement: FDXR is on the minus strand). VCF-style: chr17-74866179-G-A. GRCh37 (hg19) VCF-style: chr17-72862301-G-A.
Other names: c.588C>T, p.Ser196= (NM_001258012.4); c.552C>T, p.Ser184= (NM_001258013.4); c.435C>T, p.Ser145= (NM_001258014.4); c.339C>T, p.Ser113= (NM_001258015.3); c.303C>T, p.Ser101= (NM_001258016.3); c.459C>T, p.Ser153= (NM_004110.6).
Identifiers: ClinVar variation 4872601 (VCV004872601.3).